The following is an entry in ClinVar:

ClinVar aggregate classification (germline): Likely pathogenic (1 of 4 stars; one submission).

Conditions:
Troyer syndrome (SPG20). Identifiers: Orphanet 101000, MedGen C0393559, MONDO:0010156, OMIM 275900.

Submission:

Juno Genomics, Hangzhou Juno Genomics, Inc
Classification: Likely pathogenic for Troyer syndrome. Review status: criteria provided, single submitter. Criteria: ACMG Guidelines, 2015. Collection method: clinical testing. Allele origin: germline.
Comment: Null variant in a gene where loss of function (LOF) is a known mechanism of disease.;Absent from controls (or at extremely low frequency if recessive) in Genome Aggregation Database.

NM_015087.5(SPART):c.1440_1444dup (p.Gln482fs)

Gene: SPART (spartin; minus strand). Cytogenetic location: 13q13.3.
Variant type: Duplication.
Coding change: c.1440_1444dup on transcript NM_015087.5 (MANE Select); coding-DNA positions 1440 to 1444, 5 bases duplicated (GAAGC; older notation c.1440_1444dupGAAGC).
Protein change: p.Gln482fs; shifts the reading frame from glutamine 482.
Molecular consequence: frameshift variant.
Genome position (GRCh38, 1-based): chr13:36,314,266-36,314,270, GCTTC duplicated on the plus strand (GAAGC on the coding strand, the reverse complement: SPART is on the minus strand); duplicating any 5 consecutive bases within chr13:36,314,266-36,314,273 gives the same sequence; the c. name uses the placement nearest the transcript's 3' end. VCF-style (leftmost placement, unchanged base first): chr13-36314265-T-TGCTTC. GRCh37 (hg19) VCF-style: chr13-36888402-T-TGCTTC.
Other names: c.1440_1444dup, p.Gln482fs (NM_001142294.2, NM_001142295.2, NM_001142296.2); short protein forms Q482fs.
Identifiers: ClinVar variation 5005249 (VCV005005249.2).
Genomic context (GRCh38, chr13:36,314,265, plus strand): 5'-AAGTTATCTAGAATTACTTTACCCAGGAACTGACTGACTTTTGCTGCTCCTCCTGTAGCT[T>TGCTTC]GCTTCGCTATATAAAGTCCCTTGGTGACAGCTGGACTAACTTCCACGGGTTTTTCTTCTG-3'